The following is an entry in ClinVar:

ClinVar aggregate classification (germline): Uncertain significance (1 of 4 stars; one submission).

gnomAD v4.1: 4 of 1,604,986 alleles (0.00025%); highest among the groups gnomAD compares: African/African-American, 0.0027%; no homozygotes.

Submission:

Labcorp Genetics (formerly Invitae), Labcorp
Classification: Uncertain significance. Last evaluated: 2022-05-15. Review status: criteria provided, single submitter. Criteria: Invitae Variant Classification Sherloc (09022015). Collection method: clinical testing. Allele origin: germline.
Comment: This sequence change affects codon 265 of the SKIV2L mRNA. It is a 'silent' change, meaning that it does not change the encoded amino acid sequence of the SKIV2L protein. This variant is not present in population databases (gnomAD no frequency). In summary, the available evidence is currently insufficient to determine the role of this variant in disease. Therefore, it has been classified as a Variant of Uncertain Significance. Algorithms developed to predict the effect of sequence changes on RNA splicing suggest that this variant may create or strengthen a splice site. This variant has not been reported in the literature in individuals affected with SKIV2L-related conditions.

NM_006929.5(SKIC2):c.795G>T (p.Ala265=)

Gene: SKIC2 (SKI2 subunit of superkiller complex; plus strand). Cytogenetic location: 6p21.33.
Variant type: single nucleotide variant.
Coding change: c.795G>T on transcript NM_006929.5 (MANE Select); coding-DNA position 795, G replaced by T.
Protein change: p.Ala265=; no amino-acid change (alanine 265 retained).
Molecular consequence: synonymous variant.
Genome position (GRCh38, 1-based): chr6:31,961,552, G>T. VCF-style: chr6-31961552-G-T. GRCh37 (hg19) VCF-style: chr6-31929329-G-T.
Identifiers: ClinVar variation 1994540 (VCV001994540.4), dbSNP rs759333847, ClinGen allele CA449812813.
Genomic context (GRCh38, chr6:31,961,552, plus strand): 5'-CTAATTGAGAGCCCTCTGGTTGTATCTTTATCACTGCTACCCCTGACTCTTCCAGGAAGC[G>T]TCCACAGCTGTATCCACCCCAGAGGCCCCAGAGCCTCCATCTCAGGAGCAGTGGGCCATC-3'
Protein context (NP_008860.4, residues 255-275): SSLEDLVLKE[Ala265=]STAVSTPEAP